The following is an entry in ClinVar:

ClinVar aggregate classification (germline): Uncertain significance (1 of 4 stars; one submission).

Allele frequency attached by ClinVar (database versions not stated): gnomAD exomes 0.00001.

Submission:

Institute for Clinical Genetics, University Hospital TU Dresden, University Hospital TU Dresden
Classification: Uncertain significance. Last evaluated: 2022-12-06. Review status: criteria provided, single submitter. Criteria: ACMG Guidelines, 2015. Collection method: clinical testing. Allele origin: germline.
Comment: PM2_SUP

NM_005883.3(APC2):c.6344T>C (p.Val2115Ala)

Gene: APC2 (APC regulator of WNT signaling pathway 2; plus strand). Cytogenetic location: 19p13.3.
Variant type: single nucleotide variant.
Coding change: c.6344T>C on transcript NM_005883.3 (MANE Select); coding-DNA position 6344, T replaced by C.
Protein change: p.Val2115Ala; replaces valine 2115 with alanine.
Molecular consequence: missense variant.
Genome position (GRCh38, 1-based): chr19:1,469,645, T>C. VCF-style: chr19-1469645-T-C. GRCh37 (hg19) VCF-style: chr19-1469644-T-C.
Other names: c.6341T>C, p.Val2114Ala (NM_001351273.1); short protein forms V2114A, V2115A.
Identifiers: ClinVar variation 2575968 (VCV002575968.1), dbSNP rs2512548548, ClinGen allele CA403043345.